The following is an entry in ClinVar:

ClinVar aggregate classification (germline): Conflicting classifications of pathogenicity. Review status: criteria provided, conflicting classifications (1 of 4 stars). 2 submissions from 2 submitters: Likely pathogenic (1); Uncertain significance (1). Last evaluated 2025-06-03.

Conditions:
Foveal hypoplasia - optic nerve decussation defect - anterior segment dysgenesis syndrome. Also called: FOVEAL HYPOPLASIA 2 WITH OPTIC NERVE DECUSSATION DEFECTS AND ANTERIOR SEGMENT DYSGENESIS WITHOUT ALBINISM; Foveal hypoplasia 2; FOVEAL HYPOPLASIA 2 WITH OR WITHOUT OPTIC NERVE MISROUTING AND/OR ANTERIOR SEGMENT DYSGENESIS; FOVEAL HYPOPLASIA 2 WITH OR WITHOUT MICROPHTHALMIA OR COLOBOMA. Identifiers: Orphanet 397618, MedGen C3807873, MONDO:0012216, OMIM 609218.

gnomAD v4.1: 20 of 1,614,140 alleles (0.0012%); highest among the groups gnomAD compares: South Asian, 0.012%; no homozygotes.

Submissions (2):

Revvity Omics, Revvity
Classification: Uncertain significance for Foveal hypoplasia - optic nerve decussation defect - anterior segment dysgenesis syndrome. Last evaluated: 2025-06-03. Review status: criteria provided, single submitter. Criteria: ACMG Guidelines, 2015. Collection method: clinical testing. Allele origin: germline.

Diagnostics Services (NGS), CSIR - Centre For Cellular And Molecular Biology
Classification: Likely pathogenic for Foveal hypoplasia - optic nerve decussation defect - anterior segment dysgenesis syndrome. Last evaluated: 2025-04-11. Review status: criteria provided, single submitter. Criteria: ACMG Guidelines, 2015. Collection method: clinical testing. Allele origin: unknown. Affected: no. Observed: 2 variant alleles, 2 heterozygotes.
Comment: The c.1214+1G>C variant is not present in publicly available population databases like 1000 Genomes, EVS, Indian Exome Database or our internal database. The variant is present in the gnomAD at low frequencies. The variant has neither been published in the literature for SLC38A8-related conditions nor reported to clinical databases like Human genome Mutation Database (HGMD), OMIM, or ClinVar, in any affected individuals. Algorithms developed to predict the effect of sequence changes on RNA splicing suggest that this variant can disrupt the consensus splice site. In-silico pathogenicity prediction programs like HSF3.1. MutationTaster2021, CADD, Franklin, Varsome etc predicted this variant to be likely deleterious however these predictions were not confirmed by published functional/translational studies. This variant has been identified in a married couple, as a part of carrier screening.

NM_001080442.3(SLC38A8):c.1214+1G>C

Gene: SLC38A8 (solute carrier family 38 member 8; minus strand). Cytogenetic location: 16q23.3.
Variant type: single nucleotide variant.
Coding change: c.1214+1G>C on transcript NM_001080442.3 (MANE Select); the canonical splice donor site of the intron after coding-DNA position 1214, G replaced by C.
Molecular consequence: splice donor variant.
Genome position (GRCh38, 1-based): chr16:84,013,000, C>G on the plus strand (G>C on the coding strand, the complement: SLC38A8 is on the minus strand). VCF-style: chr16-84013000-C-G. GRCh37 (hg19) VCF-style: chr16-84046605-C-G.
Other names: c.1214+1G>C (NM_001080442.2).
Identifiers: ClinVar variation 3893283 (VCV003893283.2).